The following is an entry in ClinVar:

NM_000255.4(MMUT):c.1957-2A>G

Gene: MMUT (methylmalonyl-CoA mutase; minus strand). Cytogenetic location: 6p12.3.
Variant type: single nucleotide variant.
Coding change: c.1957-2A>G on transcript NM_000255.4 (MANE Select); the canonical splice acceptor site of the intron before coding-DNA position 1957, A replaced by G.
Molecular consequence: splice acceptor variant.
Genome position (GRCh38, 1-based): chr6:49,435,625, T>C on the plus strand (A>G on the coding strand, the complement: MMUT is on the minus strand). VCF-style: chr6-49435625-T-C. GRCh37 (hg19) VCF-style: chr6-49403338-T-C.
Identifiers: ClinVar variation 555787 (VCV000555787.13), dbSNP rs1554158379, ClinGen allele CA364394661.

ClinVar aggregate classification (germline): Pathogenic. Review status: criteria provided, multiple submitters, no conflicts (2 of 4 stars). 4 submissions from 4 submitters: Pathogenic (3). 1 of the submissions does not count toward it. Last evaluated 2025-03-19.

Conditions:
Methylmalonic aciduria due to complete methylmalonyl-CoA mutase deficiency.
Methylmalonic aciduria due to methylmalonyl-CoA mutase deficiency (MAMM). Also called: Methylmalonic aciduria, mut type. Identifiers: Orphanet 27, MedGen C1855114, MONDO:0009612, OMIM 251000.

Allele frequency attached by ClinVar (database versions not stated): TOPMed below 0.00001; gnomAD 0.00001.
gnomAD v4.1: 2 of 1,612,998 alleles (0.00012%); highest among the groups gnomAD compares: East Asian, 0.0022%; no homozygotes.

Submissions (4):

Labcorp Genetics (formerly Invitae), Labcorp
Classification: Pathogenic. Last evaluated: 2025-03-19. Review status: criteria provided, single submitter. Criteria: Invitae Variant Classification Sherloc (09022015). Collection method: clinical testing. Allele origin: germline.
Comment: This sequence change affects an acceptor splice site in intron 11 of the MUT gene. It is expected to disrupt RNA splicing. Variants that disrupt the donor or acceptor splice site typically lead to a loss of protein function (PMID: 16199547), and loss-of-function variants in MUT are known to be pathogenic (PMID: 15781192). This variant is not present in population databases (gnomAD no frequency). Disruption of this splice site has been observed in individual(s) with methylmalonic aciduria (PMID: 16281286). ClinVar contains an entry for this variant (Variation ID: 555787). Algorithms developed to predict the effect of sequence changes on RNA splicing suggest that this variant may disrupt the consensus splice site. For these reasons, this variant has been classified as Pathogenic.

Natera, Inc.
Classification: Pathogenic for Methylmalonic aciduria due to complete methylmalonyl-CoA mutase deficiency. Last evaluated: 2024-03-15. Review status: criteria provided, single submitter. Criteria: Natera Variant Classification Schema (03/2026). Collection method: clinical testing. Allele origin: germline.
Comment: The c.1957-2A>G variant in MMUT is a canonical splice acceptor site variant predicted to affect pre-mRNA splicing, which may result in an abnormal transcript and altered protein product. This variant is expected to result in nonsense mediated decay, truncation, or a dysfunctional protein product. This variant is rare in the general population with a frequency below the threshold expected for the associated phenotype(s). This variant has been observed in one or more individuals affected with the associated recessive disease, as either homozygous or compound heterozygous with a second variant (PMID: 16281286, 22695176). Functional studies show that this variant may disrupt protein function (PMID: 22695176). Given the available evidence, this variant is classified as Pathogenic.

Revvity Omics, Revvity
Classification: Pathogenic for Methylmalonic aciduria due to methylmalonyl-CoA mutase deficiency. Last evaluated: 2021-10-01. Review status: criteria provided, single submitter. Criteria: ACMG Guidelines, 2015. Collection method: clinical testing. Allele origin: germline.

Counsyl
Classification: Pathogenic for Methylmalonic aciduria due to methylmalonyl-CoA mutase deficiency. Last evaluated: 2017-12-21. Review status: no assertion criteria provided. Collection method: clinical testing. Allele origin: unknown. Not counted in ClinVar's aggregate classification.

Literature cited by the submitters: PubMed 16199547 (cited by Labcorp Genetics (formerly Invitae), Labcorp); PubMed 15781192 (cited by Labcorp Genetics (formerly Invitae), Labcorp); PubMed 16281286 (cited by 3 submitters); PubMed 22695176 (cited by Natera, Inc. and Counsyl).